The following is an entry in ClinVar:

ClinVar aggregate classification (germline): Benign/Likely benign. Review status: criteria provided, multiple submitters, no conflicts (2 of 4 stars). 3 submissions from 3 submitters: Benign (1); Likely benign (2). Last evaluated 2024-11-11.

Conditions:
Pseudohypoaldosteronism type 2E (PHA2E). Also called: Pseudohypoaldosteronism Type IIE. Identifiers: Orphanet 300530, Orphanet 757, MedGen C3469606, MONDO:0013782, OMIM 614496.

Allele frequency attached by ClinVar (database versions not stated): TOPMed 0.00006; 1000 Genomes Project 30x 0.00047; 1000 Genomes Project 0.00060; gnomAD 0.00077 and 0.00079; gnomAD exomes 0.00131; ExAC 0.00143.
gnomAD v4.1: 722 of 1,510,468 alleles (0.048%); highest among the groups gnomAD compares: Non-Finnish European, 0.012%; 4 homozygotes.

Submissions (4):

Blueprint Genetics
Classification: Likely benign. Last evaluated: 2024-11-11. Review status: criteria provided, single submitter. Criteria: ACMG Guidelines, 2015. Collection method: clinical testing. Allele origin: germline.

Labcorp Genetics (formerly Invitae), Labcorp
Classification: Likely benign. Last evaluated: 2024-10-17. Review status: criteria provided, single submitter. Criteria: Invitae Variant Classification Sherloc (09022015). Collection method: clinical testing. Allele origin: germline.

Illumina Laboratory Services, Illumina
Classification: Benign for Pseudohypoaldosteronism type 2E. Last evaluated: 2018-01-13. Review status: criteria provided, single submitter. Criteria: ICSL Variant Classification Criteria 13 December 2019. Collection method: clinical testing. Allele origin: germline.
Comment: This variant was observed in the ICSL laboratory as part of a predisposition screen in an ostensibly healthy population. It had not been previously curated by ICSL or reported in the Human Gene Mutation Database (HGMD: prior to June 1st, 2018), and was therefore a candidate for classification through an automated scoring system. Utilizing variant allele frequency, disease prevalence and penetrance estimates, and inheritance mode, an automated score was calculated to assess if this variant is too frequent to cause the disease. Based on the score and internal cut-off values, a variant classified as benign is not then subjected to further curation. The score for this variant resulted in a classification of benign for this disease.

Dr. Peter K. Rogan Lab, Western University
No classification provided (evidence only). Condition: Gastric cancer. Review status: no classification provided. Collection method: in vitro. Allele origin: not applicable. Functional consequence: retained intron. Not counted in ClinVar's aggregate classification.

NM_003590.5(CUL3):c.21C>T (p.Gly7=)

Genes: CUL3 (cullin 3; minus strand), LOC129935709 (ATAC-STARR-seq lymphoblastoid silent region 12382; plus strand). Cytogenetic location: 2q36.2.
Variant type: single nucleotide variant.
Coding change: c.21C>T on transcript NM_003590.5 (MANE Select); coding-DNA position 21, C replaced by T.
Protein change: p.Gly7=; no amino-acid change (glycine 7 retained).
Molecular consequence: synonymous variant.
Genome position (GRCh38, 1-based): chr2:224,584,989, G>A on the plus strand (C>T on the coding strand, the complement: CUL3 is on the minus strand). VCF-style: chr2-224584989-G-A. GRCh37 (hg19) VCF-style: chr2-225449706-G-A.
Other names: c.21C>T, p.Gly7= (NM_001257197.2).
Identifiers: ClinVar variation 896709 (VCV000896709.9), dbSNP rs201374931, ClinGen allele CA2140348.